The following is an entry in ClinVar:

ClinVar aggregate classification (germline): Uncertain significance. Review status: criteria provided, multiple submitters, no conflicts (2 of 4 stars). 7 submissions from 7 submitters: Uncertain significance (7). Last evaluated 2026-09-01.

Conditions:
OPA1-related disorder. Also called: OPA1-related condition; OPA1-related disorders.
Optic atrophy. Identifiers: MedGen C0029124, MONDO:0003608, HP:0000648.

Allele frequency attached by ClinVar (database versions not stated): gnomAD exomes 0.00004 and 0.00009; gnomAD 0.00006 and 0.00007; ESP Exome Variant Server 0.00015; ExAC 0.00004; TOPMed 0.00005.
gnomAD v4.1: 136 of 1,612,990 alleles (0.0084%); highest among the groups gnomAD compares: Non-Finnish European, 0.011%; no homozygotes.

Submissions (7):

PreventionGenetics, part of Exact Sciences
Classification: Uncertain significance for OPA1-related condition. Last evaluated: 2026-09-01. Review status: criteria provided, single submitter. Criteria: ACMG Guidelines, 2015. Collection method: clinical testing. Allele origin: germline.
Comment: The OPA1 c.1877G>A variant is predicted to result in the amino acid substitution p.Arg626His. This variant can also be denoted as c.1712G>A (p.Arg571His) using transcript NM_015560.2. This variant has been reported in an individual with optic atrophy (Thiselton et al. 2002. PubMed ID: 12036970). This variant has also been reported in an individual who harbored biallelic variants in the ZNF335 gene (Stouffs et al. 2018. PubMed ID: 29652087). This variant is reported in 0.0077% of alleles in individuals of European (Non-Finnish) descent in gnomAD. At this time, the clinical significance of this variant is uncertain due to the absence of conclusive functional and genetic evidence.

Labcorp Genetics (formerly Invitae), Labcorp
Classification: Uncertain significance. Last evaluated: 2025-10-09. Review status: criteria provided, single submitter. Criteria: Invitae Variant Classification Sherloc (09022015). Collection method: clinical testing. Allele origin: germline.
Comment: This sequence change replaces arginine, which is basic and polar, with histidine, which is basic and polar, at codon 571 of the OPA1 protein (p.Arg571His). This variant is present in population databases (rs140606054, gnomAD 0.008%). This missense change has been observed in individual(s) with autosomal dominant hereditary optic atrophy (PMID: 12036970). ClinVar contains an entry for this variant (Variation ID: 167405). Invitae Evidence Modeling of protein sequence and biophysical properties (such as structural, functional, and spatial information, amino acid conservation, physicochemical variation, residue mobility, and thermodynamic stability) indicates that this missense variant is expected to disrupt OPA1 protein function with a positive predictive value of 80%. In summary, the available evidence is currently insufficient to determine the role of this variant in disease. Therefore, it has been classified as a Variant of Uncertain Significance.

GeneDx
Classification: Uncertain significance. Last evaluated: 2024-04-25. Review status: criteria provided, single submitter. Criteria: GeneDx Variant Classification Process June 2021. Collection method: clinical testing. Allele origin: germline. Affected: yes.
Comment: Identified in an individual with optic atrophy, detailed clinical information and segregation information was not provided (PMID: 12036970); Identified in an individual with microcephaly, hypertonia, spasticity, and hypomyelination who was also compound heterozygous for variants thought to be diagnostic in another gene (PMID: 29652087); In silico analysis supports that this missense variant has a deleterious effect on protein structure/function; This variant is associated with the following publications: (PMID: 11810270, 12036970, 29652087)

Mayo Clinic Laboratories, Mayo Clinic
Classification: Uncertain significance. Last evaluated: 2023-11-17. Review status: criteria provided, single submitter. Criteria: ACMG Guidelines, 2015. Collection method: clinical testing. Allele origin: germline. Observed: 1 variant allele.
Comment: PP3, PM1_supporting

Blueprint Genetics
Classification: Uncertain significance. Last evaluated: 2022-11-06. Review status: criteria provided, single submitter. Criteria: ACMG Guidelines, 2015. Collection method: clinical testing. Allele origin: germline.

CeGaT Center for Human Genetics Tuebingen
Classification: Uncertain significance. Last evaluated: 2022-08-01. Review status: criteria provided, single submitter. Criteria: CeGaT Center For Human Genetics Tuebingen Variant Classification Criteria Version 2. Collection method: clinical testing. Allele origin: germline. Affected: yes. Observed: 2 variant alleles.
Comment: OPA1: PP3

Eurofins Ntd Llc (ga)
Classification: Uncertain significance. Last evaluated: 2014-01-19. Review status: criteria provided, single submitter. Criteria: EGL Classification Definitions 2015. Collection method: clinical testing. Allele origin: germline. Observed: 1 variant allele, 1 heterozygote.

Literature cited by the submitters: PubMed 12036970 (cited by Labcorp Genetics (formerly Invitae), Labcorp and Mayo Clinic Laboratories, Mayo Clinic); PubMed 29652087 (cited by Mayo Clinic Laboratories, Mayo Clinic); PubMed 32379273 (cited by Mayo Clinic Laboratories, Mayo Clinic).

NM_130837.3(OPA1):c.1877G>A (p.Arg626His)

Gene: OPA1 (OPA1 mitochondrial dynamin like GTPase; plus strand). Cytogenetic location: 3q29.
Variant type: single nucleotide variant.
Coding change: c.1877G>A on transcript NM_130837.3 (MANE Select); coding-DNA position 1877, G replaced by A.
Protein change: p.Arg626His; replaces arginine 626 with histidine.
Molecular consequence: missense variant.
Genome position (GRCh38, 1-based): chr3:193,648,076, G>A. VCF-style: chr3-193648076-G-A. GRCh37 (hg19) VCF-style: chr3-193365865-G-A.
Other names: c.1343G>A, p.Arg448His (NM_001354663.2); c.1340G>A, p.Arg447His (NM_001354664.2); c.1712G>A, p.Arg571His (NM_015560.3); c.1604G>A, p.Arg535His (NM_130831.3); c.1658G>A, p.Arg553His (NM_130832.3); c.1715G>A, p.Arg572His (NM_130833.3); c.1766G>A, p.Arg589His (NM_130834.3); c.1769G>A, p.Arg590His (NM_130835.3); and 2 more; short protein forms R626H, R448H, R553H, R608H, R589H, R535H, R590H, R447H.
Identifiers: ClinVar variation 167405 (VCV000167405.53), dbSNP rs140606054, ClinGen allele CA234462.